The following is an entry in ClinVar:

ClinVar aggregate classification (germline): Benign (0 of 4 stars; one submission).

Conditions:
KALRN-related disorder. Also called: KALRN-related condition.

Allele frequency attached by ClinVar (database versions not stated): ExAC 0.04186; gnomAD 0.06973; 1000 Genomes Project 0.06989; 1000 Genomes Project 30x 0.07167; TOPMed 0.07332; ESP Exome Variant Server 0.08042.
gnomAD v4.1: 63,016 of 1,613,562 alleles (3.9%); highest among the groups gnomAD compares: African/African-American, 16%; 1,958 homozygotes.

Submission:

PreventionGenetics, part of Exact Sciences
Classification: Benign for KALRN-related condition. Last evaluated: 2019-11-26. Review status: no assertion criteria provided. Collection method: clinical testing. Allele origin: germline.
Comment: This variant is classified as benign based on ACMG/AMP sequence variant interpretation guidelines (Richards et al. 2015 PMID: 25741868, with internal and published modifications).

NM_001388419.1(KALRN):c.5496G>A (p.Pro1832=)

Gene: KALRN (kalirin RhoGEF kinase; plus strand). Cytogenetic location: 3q21.2.
Variant type: single nucleotide variant.
Coding change: c.5496G>A on transcript NM_001388419.1 (MANE Select); coding-DNA position 5496, G replaced by A.
Protein change: p.Pro1832=; no amino-acid change (proline 1832 retained).
Molecular consequence: synonymous variant.
Genome position (GRCh38, 1-based): chr3:124,633,881, G>A. VCF-style: chr3-124633881-G-A. GRCh37 (hg19) VCF-style: chr3-124352728-G-A.
Other names: c.5493G>A, p.Pro1831= (NM_001024660.5); c.5490G>A, p.Pro1830= (NM_001322988.2); c.402G>A, p.Pro134= (NM_001322993.2, NM_001322995.2, NM_001322996.2 and 3 more transcripts); c.399G>A, p.Pro133= (NM_001322994.2, NM_001322997.2, NM_001322999.2 and 1 more transcripts); c.3570G>A, p.Pro1190= (NM_001388412.1).
Identifiers: ClinVar variation 3038230 (VCV003038230.2), dbSNP rs652863, ClinGen allele CA2580472.